The following is an entry in ClinVar:

ClinVar aggregate classification (germline): Pathogenic. Review status: criteria provided, single submitter (1 of 4 stars). 2 submissions from 2 submitters: Pathogenic (1). 1 of the submissions does not count toward it. Last evaluated 2024-07-01.

Conditions:
Breast-ovarian cancer, familial, susceptibility to, 2 (BROVCA2). Also called: BRCA2 Hereditary Breast and Ovarian Cancer. Identifiers: Orphanet 145, MedGen C2675520, MONDO:0012933, OMIM 612555. Disease mechanism: loss of function.
Hereditary breast ovarian cancer syndrome. Also called: Hereditary breast and ovarian cancer syndrome; Hereditary breast and ovarian cancer; Hereditary breast and ovarian cancer syndrome (HBOC); Hereditary breast and/or ovarian cancer syndrome; BRCA1- and BRCA2-Associated Hereditary Breast and Ovarian Cancer; Breast and ovarian cancer. Identifiers: Orphanet 145, MedGen C0677776, MeSH D061325, MONDO:0003582. Disease mechanism: loss of function.

Submissions (2):

Labcorp Genetics (formerly Invitae), Labcorp
Classification: Pathogenic for Hereditary breast ovarian cancer syndrome. Last evaluated: 2024-07-01. Review status: criteria provided, single submitter. Criteria: Invitae Variant Classification Sherloc (09022015). Collection method: clinical testing. Allele origin: germline.
Comment: This sequence change creates a premature translational stop signal (p.Asp1807Glufs*5) in the BRCA2 gene. It is expected to result in an absent or disrupted protein product. Loss-of-function variants in BRCA2 are known to be pathogenic (PMID: 20104584). This variant is not present in population databases (gnomAD no frequency). This variant has not been reported in the literature in individuals affected with BRCA2-related conditions. For these reasons, this variant has been classified as Pathogenic.

Biotechnology, Institute of Science, Nirma University
Classification: Pathogenic for Breast-ovarian cancer, familial, susceptibility to, 2. Last evaluated: 2023-10-26. Review status: no assertion criteria provided. Collection method: clinical testing. Allele origin: germline. Inheritance: Autosomal dominant inheritance. Affected: yes. Observed: 1 variant allele, 1 heterozygote. Not counted in ClinVar's aggregate classification.
Comment: The BRCA2 genetic mutation reported here causes a premature truncation or the termination of the protein. The in-silico protein protein interactions studied by us reflects on the absence of interactions between RAD51 and BRCA2, due to the absence of the TR2 region of the BRCA2 because of the protein termination. This also leads to the dysfunctioning of the DNA damage repair system, making the mutation deleterious. Hence, the BRCA2c.5240dup has been classified as pathogenic.

Literature cited by the submitters: PubMed 20104584 (cited by Labcorp Genetics (formerly Invitae), Labcorp and Biotechnology, Institute of Science, Nirma University).

NM_000059.4(BRCA2):c.5420dup (p.Asp1807fs)

Gene: BRCA2 (BRCA2 DNA repair associated; plus strand). Cytogenetic location: 13q13.1.
Variant type: Duplication.
Coding change: c.5420dup on transcript NM_000059.4 (MANE Select); coding-DNA position 5420, one base duplicated (A; older notation c.5420dupA).
Protein change: p.Asp1807fs; shifts the reading frame from aspartic acid 1807.
Molecular consequence: frameshift variant. On other transcripts: non-coding transcript variant (1), intron variant (2).
Genome position (GRCh38, 1-based): chr13:32,339,775, A duplicated. VCF-style (leftmost placement, unchanged base first): chr13-32339774-G-GA. GRCh37 (hg19) VCF-style: chr13-32913911-G-GA.
Other names: c.5420dup, p.Asp1807fs (NM_001406719.1, NM_001406720.1); c.1910-4783dup (NM_001406721.1); c.425-4783dup (NM_001406722.1); short protein forms D1807fs.
Identifiers: ClinVar variation 3067108 (VCV003067108.4), dbSNP rs2548530767, ClinGen allele CA2740098029.